The following is an entry in ClinVar:

NM_001281740.3(FHOD3):c.1845G>A (p.Pro615=)

Gene: FHOD3 (formin homology 2 domain containing 3; plus strand). Cytogenetic location: 18q12.2.
Variant type: single nucleotide variant.
Coding change: c.1845G>A on transcript NM_001281740.3 (MANE Select); coding-DNA position 1845, G replaced by A.
Protein change: p.Pro615=; no amino-acid change (proline 615 retained).
Molecular consequence: synonymous variant.
Genome position (GRCh38, 1-based): chr18:36,681,445, G>A. VCF-style: chr18-36681445-G-A. GRCh37 (hg19) VCF-style: chr18-34261408-G-A.
Other names: c.1320G>A, p.Pro440= (NM_001281739.3, NM_025135.5).
Identifiers: ClinVar variation 4989361 (VCV004989361.1).

ClinVar aggregate classification (germline): Likely benign (1 of 4 stars; one submission).

Conditions:
FHOD3-related disorder. Also called: FHOD3-related condition.

gnomAD v4.1: 63 of 1,613,614 alleles (0.0039%); highest among the groups gnomAD compares: African/African-American, 0.043%; no homozygotes.

Submission:

PreventionGenetics, part of Exact Sciences
Classification: Likely benign for FHOD3-related condition. Last evaluated: 2026-03-22. Review status: criteria provided, single submitter. Criteria: ACMG Guidelines, 2015. Collection method: clinical testing. Allele origin: germline.
Comment: This variant is classified as likely benign based on ACMG/AMP sequence variant interpretation guidelines (Richards et al. 2015 PMID: 25741868, with internal and published modifications).